The following is an entry in ClinVar:

NM_004991.4(MECOM):c.2592_2598del (p.Asp864fs)

Gene: MECOM (MDS1 and EVI1 complex locus; minus strand). Cytogenetic location: 3q26.2.
Variant type: Deletion.
Coding change: c.2592_2598del on transcript NM_004991.4 (MANE Select); coding-DNA positions 2592 to 2598, 7 bases deleted (TCAGAGA; older notation c.2592_2598delTCAGAGA).
Protein change: p.Asp864fs; shifts the reading frame from aspartic acid 864.
Molecular consequence: frameshift variant. On other transcripts: intron variant (8).
Genome position (GRCh38, 1-based): chr3:169,107,932-169,107,938, TCTCTGA deleted on the plus strand (TCAGAGA on the coding strand, the reverse complement: MECOM is on the minus strand); deleting any 7 consecutive bases within chr3:169,107,932-169,107,940 gives the same sequence; the c. name uses the placement nearest the transcript's 3' end. VCF-style (leftmost placement, unchanged base first): chr3-169107931-TTCTCTGA-T. GRCh37 (hg19) VCF-style: chr3-168825719-TTCTCTGA-T.
Other names: c.2223_2229del, p.Asp741fs (NM_001105077.4); c.2028_2034del, p.Asp676fs (NM_001105078.4, NM_001205194.2, NM_001366469.2 and 1 more transcripts); c.2031_2037del, p.Asp677fs (NM_001366467.2, NM_001366468.2); c.1605+4849_1605+4855del (NM_001366473.2); c.2577+4849_2577+4855del (NM_001366466.2); c.1041+4849_1041+4855del (NM_001366474.2); c.2013+4849_2013+4855del (NM_001164000.2, NM_001366471.2, NM_001366472.2); c.2016+4849_2016+4855del (NM_001366470.2, NM_001163999.2); and 1 more; short protein forms D676fs, D677fs, D741fs, D864fs.
Identifiers: ClinVar variation 3768768 (VCV003768768.1).
Genomic context (GRCh38, chr3:169,107,931, plus strand): 5'-TGTTTTCTTTTTAATGCTACATCACTTTAGTCAAAAATATAAGTAGGAAACTTACCCAAG[TTCTCTGA>T]TCAGGCAGTTGGAACTGGGAGCAAAATTGAAACAAAAACAAAAAATTACTTCTGTGTTGG-3'

ClinVar aggregate classification (germline): Pathogenic (1 of 4 stars; one submission).

Conditions:
Radioulnar synostosis with amegakaryocytic thrombocytopenia 2 (RUSAT2). Also called: RADIOULNAR SYNOSTOSIS AND AMEGAKARYOCYTIC THROMBOCYTOPENIA 2. Identifiers: Orphanet 71289, MedGen C4225221, MONDO:0014758, OMIM 616738.

Submission:

Women's Health and Genetics/Laboratory Corporation of America, LabCorp
Classification: Pathogenic for Radioulnar synostosis with amegakaryocytic thrombocytopenia 2. Last evaluated: 2025-02-04. Review status: criteria provided, single submitter. Criteria: LabCorp Variant Classification Summary - May 2015. Collection method: clinical testing. Allele origin: germline.
Comment: Variant summary: MECOM c.2028_2034delTCAGAGA (p.Asp676GlufsX14) results in a premature termination codon, predicted to cause a truncation of the encoded protein or absence of the protein due to nonsense mediated decay, which are commonly known mechanisms for disease. The variant allele was found at a frequency of 8e-06 in 249406 control chromosomes. To our knowledge, no occurrence of c.2028_2034delTCAGAGA in individuals affected with Radioulnar Synostosis With Amegakaryocytic Thrombocytopenia 2 and no experimental evidence demonstrating its impact on protein function have been reported. No submitters have cited clinical-significance assessments for this variant to ClinVar. Based on the evidence outlined above, the variant was classified as pathogenic.